The following is an entry in ClinVar:

NM_016156.6(MTMR2):c.1480-4_1480-3insA

Gene: MTMR2 (myotubularin related protein 2; minus strand). Cytogenetic location: 11q21.
Variant type: Insertion.
Coding change: c.1480-4_1480-3insA on transcript NM_016156.6 (MANE Select); 4 bases into the intron before coding-DNA position 1480 through 3 bases into the intron before coding-DNA position 1480, A inserted.
Molecular consequence: intron variant.
Genome position: GRCh38 VCF-style: chr11-95838210-G-GT. GRCh37 (hg19) VCF-style: chr11-95571374-G-GT.
Other names: c.1264-4_1264-3insA (NM_201281.3, NM_201278.3, NM_001243571.2).
Identifiers: ClinVar variation 725365 (VCV000725365.5), dbSNP rs752523757, ClinGen allele CA6239962.

ClinVar aggregate classification (germline): Conflicting classifications of pathogenicity. Review status: criteria provided, conflicting classifications (1 of 4 stars). 2 submissions from 2 submitters: Uncertain significance (1); Likely benign (1). Last evaluated 2023-01-09.

Conditions:
Inborn genetic diseases. Identifiers: MedGen C0950123, MeSH D030342.

Submissions (2):

Ambry Genetics
Classification: Uncertain significance for Inborn genetic diseases. Last evaluated: 2023-01-09. Review status: criteria provided, single submitter. Criteria: Ambry Variant Classification Scheme 2023. Collection method: clinical testing. Allele origin: germline.
Comment: Based on insufficient or conflicting evidence, the clinical significance of this alteration remains unclear.

Labcorp Genetics (formerly Invitae), Labcorp
Classification: Likely benign. Last evaluated: 2018-05-25. Review status: criteria provided, single submitter. Criteria: Invitae Variant Classification Sherloc (09022015). Collection method: clinical testing. Allele origin: germline.